The following is an entry in ClinVar:

NM_000059.4(BRCA2):c.7974C>T (p.Tyr2658=)

Gene: BRCA2 (BRCA2 DNA repair associated; plus strand). Cytogenetic location: 13q13.1.
Variant type: single nucleotide variant.
Coding change: c.7974C>T on transcript NM_000059.4 (MANE Select); coding-DNA position 7974, C replaced by T.
Protein change: p.Tyr2658=; no amino-acid change (tyrosine 2658 retained).
Molecular consequence: synonymous variant.
Genome position (GRCh38, 1-based): chr13:32,362,691, C>T. VCF-style: chr13-32362691-C-T. GRCh37 (hg19) VCF-style: chr13-32936828-C-T.
Identifiers: ClinVar variation 479386 (VCV000479386.25), dbSNP rs80359025, ClinGen allele CA483261063.
Genomic context (GRCh38, chr13:32,362,691, plus strand): 5'-TCCTAAGGAATTTGCTAATAGATGCCTAAGCCCAGAAAGGGTGCTTCTTCAACTAAAATA[C>T]AGGCAAGTTTAAAGCATTACATTACGTAATCATATACGGCAGTATGGTTAAGGTTTCTGT-3'
Protein context (NP_000050.3, residues 2648-2668): SPERVLLQLK[Tyr2658=]RYDTEIDRSR

ClinVar aggregate classification (germline): Conflicting classifications of pathogenicity. Review status: criteria provided, conflicting classifications (1 of 4 stars). 3 submissions from 3 submitters: Uncertain significance (1); Likely benign (2). Last evaluated 2025-04-02.

Conditions:
Hereditary breast ovarian cancer syndrome. Also called: Hereditary breast and ovarian cancer syndrome (HBOC); Hereditary breast and ovarian cancer syndrome; Breast and ovarian cancer; BRCA1- and BRCA2-Associated Hereditary Breast and Ovarian Cancer; Hereditary breast and ovarian cancer; Hereditary breast and/or ovarian cancer syndrome. Identifiers: Orphanet 145, MedGen C0677776, MeSH D061325, MONDO:0003582. Disease mechanism: loss of function.
Hereditary cancer-predisposing syndrome. Also called: Neoplastic Syndromes, Hereditary; Hereditary Cancer Syndrome; Hereditary neoplastic syndrome; Tumor predisposition. Identifiers: Orphanet 140162, MedGen C0027672, MeSH D009386, MONDO:0015356.

Submissions (3):

Ambry Genetics
Classification: Uncertain significance for Hereditary cancer-predisposing syndrome. Last evaluated: 2025-04-02. Review status: criteria provided, single submitter. Criteria: Ambry Variant Classification Scheme 2023. Collection method: clinical testing. Allele origin: germline.
Comment: The c.7974C>T variant (also known as p.Y2658Y), located in coding exon 16 of the BRCA2 gene, results from a C to T substitution at nucleotide position 7974. This nucleotide substitution does not change the amino acid at codon 2658. This nucleotide position is well conserved in available vertebrate species. In silico splice site analysis predicts that this alteration may weaken the native splice donor site. RNA studies have demonstrated that this alteration results in an incomplete splice defect; the clinical impact of this abnormal splicing is unknown at this time (Ambry internal data). Two saturation genome editing-based studies, including a haploid cell-survival assay and a humanized mouse embryonic stem cell line assay of drug response and survival, demonstrate that this nucleotide substitution is non-functional (Huang H et al. Nature. 2025 Feb;638(8050):528-537; Sahu S et al. Nature. 2025 Feb;638(8050):538-545). Based on the available evidence, the clinical significance of this variant remains unclear.

Center for Genomic Medicine, Rigshospitalet, Copenhagen University Hospital
Classification: Likely benign. Last evaluated: 2025-03-04. Review status: criteria provided, single submitter. Criteria: ACMG Guidelines, 2015. Collection method: clinical testing. Allele origin: germline.

Labcorp Genetics (formerly Invitae), Labcorp
Classification: Likely benign for Hereditary breast ovarian cancer syndrome. Last evaluated: 2022-10-18. Review status: criteria provided, single submitter. Criteria: Invitae Variant Classification Sherloc (09022015). Collection method: clinical testing. Allele origin: germline.